The following is an entry in ClinVar:

ClinVar aggregate classification (germline): Uncertain significance (1 of 4 stars; one submission).

Submission:

Labcorp Genetics (formerly Invitae), Labcorp
Classification: Uncertain significance. Last evaluated: 2026-01-27. Review status: criteria provided, single submitter. Criteria: Invitae Variant Classification Sherloc (09022015). Collection method: clinical testing. Allele origin: germline.
Comment: This sequence change replaces tyrosine, which is neutral and polar, with histidine, which is basic and polar, at codon 88 of the CACNA1D protein (p.Tyr88His). This variant is not present in population databases (gnomAD no frequency). This variant has not been reported in the literature in individuals affected with CACNA1D-related conditions. ClinVar contains an entry for this variant (Variation ID: 2858101). An algorithm developed to predict the effect of missense changes on protein structure and function (PolyPhen-2) suggests that this variant is likely to be disruptive. In summary, the available evidence is currently insufficient to determine the role of this variant in disease. Therefore, it has been classified as a Variant of Uncertain Significance.

NM_001128840.3(CACNA1D):c.262T>C (p.Tyr88His)

Gene: CACNA1D (calcium voltage-gated channel subunit alpha1 D; plus strand). Cytogenetic location: 3p21.1.
Variant type: single nucleotide variant.
Coding change: c.262T>C on transcript NM_001128840.3 (MANE Select); coding-DNA position 262, T replaced by C.
Protein change: p.Tyr88His; replaces tyrosine 88 with histidine.
Molecular consequence: missense variant.
Genome position (GRCh38, 1-based): chr3:53,497,346, T>C. VCF-style: chr3-53497346-T-C. GRCh37 (hg19) VCF-style: chr3-53531373-T-C.
Other names: c.262T>C, p.Tyr88His (NM_000720.4, NM_001128839.3); short protein forms Y88H.
Identifiers: ClinVar variation 2858101 (VCV002858101.3), dbSNP rs2471510342, ClinGen allele CA353382087.